The following is an entry in ClinVar:

ClinVar aggregate classification (germline): Uncertain significance. Review status: criteria provided, multiple submitters, no conflicts (2 of 4 stars). 3 submissions from 3 submitters: Uncertain significance (3). Last evaluated 2025-06-18.

Conditions:
Early-infantile DEE. Also called: Early infantile epileptic encephalopathy with suppression bursts; Ohtahara syndrome; Early infantile epileptic encephalopathy. Identifiers: Orphanet 1934, MedGen C0393706, MONDO:0800491.

Allele frequency attached by ClinVar (database versions not stated): gnomAD exomes below 0.00001.
gnomAD v4.1: 3 of 1,610,422 alleles (0.00019%); highest among the groups gnomAD compares: Middle Eastern, 0.017%; no homozygotes.

Submissions (3):

GeneDx
Classification: Uncertain significance. Last evaluated: 2025-06-18. Review status: criteria provided, single submitter. Criteria: GeneDx Variant Classification Process June 2021. Collection method: clinical testing. Allele origin: germline. Affected: yes.
Comment: Not observed at significant frequency in large population cohorts (gnomAD); In silico analysis supports that this missense variant has a deleterious effect on protein structure/function; Has not been previously published as pathogenic or benign to our knowledge; This substitution is predicted to be within the cytoplasmic loop between the second and third homologous domains

CeGaT Center for Human Genetics Tuebingen
Classification: Uncertain significance. Last evaluated: 2022-01-01. Review status: criteria provided, single submitter. Criteria: CeGaT Center For Human Genetics Tuebingen Variant Classification Criteria Version 2. Collection method: clinical testing. Allele origin: germline. Affected: yes. Observed: 1 variant allele.

Labcorp Genetics (formerly Invitae), Labcorp
Classification: Uncertain significance for Early-infantile DEE. Last evaluated: 2020-12-28. Review status: criteria provided, single submitter. Criteria: Invitae Variant Classification Sherloc (09022015). Collection method: clinical testing. Allele origin: germline.
Comment: This variant is not present in population databases (ExAC no frequency). In summary, the available evidence is currently insufficient to determine the role of this variant in disease. Therefore, it has been classified as a Variant of Uncertain Significance. Algorithms developed to predict the effect of missense changes on protein structure and function are either unavailable or do not agree on the potential impact of this missense change (SIFT: "Deleterious"; PolyPhen-2: "Possibly Damaging"; Align-GVGD: "Class C0"). This variant has not been reported in the literature in individuals with SCN8A-related conditions. This sequence change replaces cysteine with tyrosine at codon 1171 of the SCN8A protein (p.Cys1171Tyr). The cysteine residue is highly conserved and there is a large physicochemical difference between cysteine and tyrosine.

NM_001330260.2(SCN8A):c.3512G>A (p.Cys1171Tyr)

Gene: SCN8A (sodium voltage-gated channel alpha subunit 8; plus strand). Cytogenetic location: 12q13.13.
Variant type: single nucleotide variant.
Coding change: c.3512G>A on transcript NM_001330260.2 (MANE Select); coding-DNA position 3512, G replaced by A.
Protein change: p.Cys1171Tyr; replaces cysteine 1171 with tyrosine.
Molecular consequence: missense variant.
Genome position (GRCh38, 1-based): chr12:51,770,550, G>A. VCF-style: chr12-51770550-G-A. GRCh37 (hg19) VCF-style: chr12-52164334-G-A.
Other names: c.3512G>A, p.Cys1171Tyr (NM_001177984.3, NM_001369788.1, NM_014191.4); c.3512G>A (NM_014191.3); short protein forms C1171Y.
Identifiers: ClinVar variation 1360944 (VCV001360944.41), dbSNP rs2138871534, ClinGen allele CA384896002.